The following is an entry in ClinVar:

NM_001081.4(CUBN):c.5530C>T (p.Gln1844Ter)

Gene: CUBN (cubilin; minus strand). Cytogenetic location: 10p13.
Variant type: single nucleotide variant.
Coding change: c.5530C>T on transcript NM_001081.4 (MANE Select); coding-DNA position 5530, C replaced by T.
Protein change: p.Gln1844Ter; replaces glutamine 1844 with a stop codon.
Molecular consequence: nonsense.
Genome position (GRCh38, 1-based): chr10:16,940,050, G>A on the plus strand (C>T on the coding strand, the complement: CUBN is on the minus strand). VCF-style: chr10-16940050-G-A. GRCh37 (hg19) VCF-style: chr10-16982049-G-A.
Other names: short protein forms Q1844*.
Identifiers: ClinVar variation 579557 (VCV000579557.7), dbSNP rs1564435943, ClinGen allele CA376157143.

ClinVar aggregate classification (germline): Pathogenic (1 of 4 stars; one submission).

Conditions:
Imerslund-Grasbeck syndrome. Also called: Megaloblastic anemia due to inborn errors of metabolism; PERNICIOUS ANEMIA, JUVENILE, DUE TO SELECTIVE INTESTINAL MALABSORPTION OF VITAMIN B12, WITH PROTEINURIA; Imerslund-Gräsbeck syndrome; ENTEROCYTE COBALAMIN MALABSORPTION; ENTEROCYTE INTRINSIC FACTOR RECEPTOR, DEFECT OF. Identifiers: Orphanet 35858, MedGen C4551825, MONDO:0009853.

Allele frequency attached by ClinVar (database versions not stated): gnomAD exomes below 0.00001.
gnomAD v4.1: 1 of 1,613,878 alleles (0.000062%); highest among the groups gnomAD compares: South Asian, 0.0011%; no homozygotes.

Submission:

Labcorp Genetics (formerly Invitae), Labcorp
Classification: Pathogenic for Imerslund-Grasbeck syndrome. Last evaluated: 2017-09-15. Review status: criteria provided, single submitter. Criteria: Invitae Variant Classification Sherloc (09022015). Collection method: clinical testing. Allele origin: germline.
Comment: For these reasons, this variant has been classified as Pathogenic. Loss-of-function variants in CUBN are known to be pathogenic (PMID: 15024727, 22929189). This variant has not been reported in the literature in individuals with CUBN-related disease. This variant is not present in population databases (ExAC no frequency). This sequence change creates a premature translational stop signal (p.Gln1844*) in the CUBN gene. It is expected to result in an absent or disrupted protein product.

Literature cited by the submitters: PubMed 15024727; PubMed 22929189.